The following is an entry in ClinVar:

NM_001082971.2(DDC):c.564_568dup (p.Gln190fs)

Gene: DDC (dopa decarboxylase; minus strand). Cytogenetic location: 7p12.1.
Variant type: Duplication.
Coding change: c.564_568dup on transcript NM_001082971.2 (MANE Select); coding-DNA positions 564 to 568, 5 bases duplicated (CGATC; older notation c.564_568dupCGATC).
Protein change: p.Gln190fs; shifts the reading frame from glutamine 190.
Molecular consequence: frameshift variant. On other transcripts: intron variant (1).
Genome position (GRCh38, 1-based): chr7:50,529,210-50,529,214, GATCG duplicated on the plus strand (CGATC on the coding strand, the reverse complement: DDC is on the minus strand); duplicating any 5 consecutive bases within chr7:50,529,210-50,529,217 gives the same sequence; the c. name uses the placement nearest the transcript's 3' end. VCF-style (leftmost placement, unchanged base first): chr7-50529209-T-TGATCG. GRCh37 (hg19) VCF-style: chr7-50596907-T-TGATCG.
Other names: c.564_568dup, p.Gln190fs (NM_000790.4, NM_001242887.2, NM_001242890.2); c.450_454dup, p.Gln152fs (NM_001242886.2); c.330_334dup, p.Gln112fs (NM_001242888.2); c.435+8646_435+8650dup (NM_001242889.2); short protein forms Q152fs, Q112fs, Q190fs.
Identifiers: ClinVar variation 1355136 (VCV001355136.5), dbSNP rs2044127544, ClinGen allele CA1706649109.

ClinVar aggregate classification (germline): Pathogenic (1 of 4 stars; one submission).

Conditions:
Deficiency of aromatic-L-amino-acid decarboxylase. Also called: AADC DEFICIENCY; DDC DEFICIENCY; DOPA DECARBOXYLASE DEFICIENCY; Aromatic L-Amino Acid Decarboxylase Deficiency; Aromatic amino acid decarboxylase deficiency. Identifiers: Orphanet 35708, MedGen C1291564, MONDO:0012084, OMIM 608643.

Submission:

Labcorp Genetics (formerly Invitae), Labcorp
Classification: Pathogenic for Deficiency of aromatic-L-amino-acid decarboxylase. Last evaluated: 2025-10-24. Review status: criteria provided, single submitter. Criteria: Invitae Variant Classification Sherloc (09022015). Collection method: clinical testing. Allele origin: germline.
Comment: This sequence change creates a premature translational stop signal (p.Gln190Profs*13) in the DDC gene. It is expected to result in an absent or disrupted protein product. Loss-of-function variants in DDC are known to be pathogenic (PMID: 15079002, 24788355). This variant is not present in population databases (gnomAD no frequency). This variant has not been reported in the literature in individuals affected with DDC-related conditions. ClinVar contains an entry for this variant (Variation ID: 1355136). For these reasons, this variant has been classified as Pathogenic.

Literature cited by the submitters: PubMed 15079002; PubMed 24788355.